The following is an entry in ClinVar:

ClinVar aggregate classification (germline): Uncertain significance (1 of 4 stars; one submission).

Allele frequency attached by ClinVar (database versions not stated): gnomAD exomes below 0.00001; TOPMed below 0.00001; gnomAD 0.00001.
gnomAD v4.1: 2 of 1,613,948 alleles (0.00012%); highest among the groups gnomAD compares: African/African-American, 0.0013%; no homozygotes.

Submission:

Labcorp Genetics (formerly Invitae), Labcorp
Classification: Uncertain significance. Last evaluated: 2022-09-06. Review status: criteria provided, single submitter. Criteria: Invitae Variant Classification Sherloc (09022015). Collection method: clinical testing. Allele origin: germline.
Comment: In summary, the available evidence is currently insufficient to determine the role of this variant in disease. Therefore, it has been classified as a Variant of Uncertain Significance. Algorithms developed to predict the effect of missense changes on protein structure and function are either unavailable or do not agree on the potential impact of this missense change (SIFT: "Not Available"; PolyPhen-2: "Benign"; Align-GVGD: "Not Available"). ClinVar contains an entry for this variant (Variation ID: 1352715). This variant has not been reported in the literature in individuals affected with ADAMTS18-related conditions. This variant is not present in population databases (gnomAD no frequency). This sequence change replaces isoleucine, which is neutral and non-polar, with leucine, which is neutral and non-polar, at codon 854 of the ADAMTS18 protein (p.Ile854Leu).

NM_199355.4(ADAMTS18):c.2560A>T (p.Ile854Leu)

Gene: ADAMTS18 (ADAM metallopeptidase with thrombospondin type 1 motif 18; minus strand). Cytogenetic location: 16q23.1.
Variant type: single nucleotide variant.
Coding change: c.2560A>T on transcript NM_199355.4 (MANE Select); coding-DNA position 2560, A replaced by T.
Protein change: p.Ile854Leu; replaces isoleucine 854 with leucine.
Molecular consequence: missense variant.
Genome position (GRCh38, 1-based): chr16:77,300,377, T>A on the plus strand (A>T on the coding strand, the complement: ADAMTS18 is on the minus strand). VCF-style: chr16-77300377-T-A. GRCh37 (hg19) VCF-style: chr16-77334274-T-A.
Other names: c.2044A>T, p.Ile682Leu (NM_001326358.2); short protein forms I682L, I854L.
Identifiers: ClinVar variation 1352715 (VCV001352715.8), dbSNP rs776221154, ClinGen allele CA396823795.
Genomic context (GRCh38, chr16:77,300,377, plus strand): 5'-GTCTTTTTGTGGCTGGTGGAGTTCCATTCATGACCTTGGGAAGTGCATACTTCCAAGCTA[T>A]CCCTGGATTTTTGCCTTGCATCAGAATCTGGACAGTGTAAGATAAAAATCAGAGATCAAG-3'
Protein context (NP_955387.1, residues 844-864): EILMQGKNPG[Ile854Leu]AWKYALPKVM